The following is an entry in ClinVar:

ClinVar aggregate classification (germline): Uncertain significance (1 of 4 stars; one submission).

Allele frequency attached by ClinVar (database versions not stated): gnomAD exomes below 0.00001.
gnomAD v4.1: 3 of 1,612,870 alleles (0.00019%); highest among the groups gnomAD compares: Non-Finnish European, 0.00025%; no homozygotes.

Submission:

Ambry Genetics
Classification: Uncertain significance. Last evaluated: 2023-11-24. Review status: criteria provided, single submitter. Criteria: Ambry Variant Classification Scheme 2023. Collection method: clinical testing. Allele origin: germline.
Comment: The p.L1528P variant (also known as c.4583T>C), located in coding exon 16 of the POLQ gene, results from a T to C substitution at nucleotide position 4583. The leucine at codon 1528 is replaced by proline, an amino acid with similar properties. This amino acid position is conserved. In addition, this alteration is predicted to be tolerated by in silico analysis. Since supporting evidence is limited at this time, the clinical significance of this alteration remains unclear.

NM_199420.4(POLQ):c.4583T>C (p.Leu1528Pro)

Gene: POLQ (DNA polymerase theta; minus strand). Cytogenetic location: 3q13.33.
Variant type: single nucleotide variant.
Coding change: c.4583T>C on transcript NM_199420.4 (MANE Select); coding-DNA position 4583, T replaced by C.
Protein change: p.Leu1528Pro; replaces leucine 1528 with proline.
Molecular consequence: missense variant.
Genome position (GRCh38, 1-based): chr3:121,488,348, A>G on the plus strand (T>C on the coding strand, the complement: POLQ is on the minus strand). VCF-style: chr3-121488348-A-G. GRCh37 (hg19) VCF-style: chr3-121207195-A-G.
Other names: short protein forms L1528P.
Identifiers: ClinVar variation 1741658 (VCV001741658.2), dbSNP rs2546785767, ClinGen allele CA354094629.